The following is an entry in ClinVar:

ClinVar aggregate classification (germline): Conflicting classifications of pathogenicity. Review status: criteria provided, conflicting classifications (1 of 4 stars). 2 submissions from 2 submitters: Uncertain significance (1); Likely benign (1). Last evaluated 2024-11-11.

Conditions:
Inborn genetic diseases. Identifiers: MedGen C0950123, MeSH D030342.

Allele frequency attached by ClinVar (database versions not stated): gnomAD 0.00002 and 0.00003; gnomAD exomes 0.00002; TOPMed 0.00002; ExAC 0.00005.
gnomAD v4.1: 40 of 1,613,376 alleles (0.0025%); highest among the groups gnomAD compares: Non-Finnish European, 0.0029%; no homozygotes.

Submissions (2):

Ambry Genetics
Classification: Likely benign for Inborn genetic diseases. Last evaluated: 2024-11-11. Review status: criteria provided, single submitter. Criteria: Ambry Variant Classification Scheme 2023. Collection method: clinical testing. Allele origin: germline.

GeneDx
Classification: Uncertain significance. Last evaluated: 2024-07-11. Review status: criteria provided, single submitter. Criteria: GeneDx Variant Classification Process June 2021. Collection method: clinical testing. Allele origin: germline. Affected: yes.
Comment: Not observed at significant frequency in large population cohorts (gnomAD); In silico analysis supports that this missense variant has a deleterious effect on protein structure/function; Has not been previously published as pathogenic or benign to our knowledge

NM_012208.4(HARS2):c.698G>A (p.Arg233His)

Gene: HARS2 (histidyl-tRNA synthetase 2, mitochondrial; plus strand). Cytogenetic location: 5q31.3.
Variant type: single nucleotide variant.
Coding change: c.698G>A on transcript NM_012208.4 (MANE Select); coding-DNA position 698, G replaced by A.
Protein change: p.Arg233His; replaces arginine 233 with histidine.
Molecular consequence: missense variant.
Genome position (GRCh38, 1-based): chr5:140,696,167, G>A. VCF-style: chr5-140696167-G-A. GRCh37 (hg19) VCF-style: chr5-140075752-G-A.
Other names: p.R233H:CGT>CAT; c.623G>A, p.Arg208His (NM_001278731.2); c.266G>A, p.Arg89His (NM_001278732.2); c.716G>A, p.Arg239His (NM_001363535.2); c.488G>A, p.Arg163His (NM_001363536.2); short protein forms R233H, R239H, R89H, R163H, R208H.
Identifiers: ClinVar variation 214539 (VCV000214539.6), dbSNP rs771275914, ClinGen allele CA321811.
Genomic context (GRCh38, chr5:140,696,167, plus strand): 5'-ATGACCGGCGGATTGTGGATGGGATGTTTGCTGTCTGTGGTGTTCCTGAAAGCAAGTTCC[G>A]TGCCATCTGCTCCTCCATAGATAAACTAGACAAGGTAACAAAGAAGACATACTTCAGTAG-3'
Protein context (NP_036340.1, residues 223-243): AVCGVPESKF[Arg233His]AICSSIDKLD